The following is an entry in ClinVar:

NM_015346.4(ZFYVE26):c.5856C>A (p.His1952Gln)

Gene: ZFYVE26 (zinc finger FYVE-type containing 26; minus strand). Cytogenetic location: 14q24.1.
Variant type: single nucleotide variant.
Coding change: c.5856C>A on transcript NM_015346.4 (MANE Select); coding-DNA position 5856, C replaced by A.
Protein change: p.His1952Gln; replaces histidine 1952 with glutamine.
Molecular consequence: missense variant.
Genome position (GRCh38, 1-based): chr14:67,766,382, G>T on the plus strand (C>A on the coding strand, the complement: ZFYVE26 is on the minus strand). VCF-style: chr14-67766382-G-T. GRCh37 (hg19) VCF-style: chr14-68233099-G-T.
Other names: short protein forms H1952Q.
Identifiers: ClinVar variation 1520292 (VCV001520292.5), dbSNP rs772532225, ClinGen allele CA390165897.

ClinVar aggregate classification (germline): Uncertain significance (1 of 4 stars; one submission).

Conditions:
Spastic paraplegia. Identifiers: MedGen C0037772, HP:0001258.

Allele frequency attached by ClinVar (database versions not stated): TOPMed below 0.00001.
gnomAD v4.1: 2 of 1,612,806 alleles (0.00012%); highest among the groups gnomAD compares: Admixed American, 0.0017%; no homozygotes.

Submission:

Labcorp Genetics (formerly Invitae), Labcorp
Classification: Uncertain significance for Spastic paraplegia. Last evaluated: 2021-08-27. Review status: criteria provided, single submitter. Criteria: Invitae Variant Classification Sherloc (09022015). Collection method: clinical testing. Allele origin: germline.
Comment: This sequence change replaces histidine with glutamine at codon 1952 of the ZFYVE26 protein (p.His1952Gln). The histidine residue is moderately conserved and there is a small physicochemical difference between histidine and glutamine. This variant is not present in population databases (ExAC no frequency). This variant has not been reported in the literature in individuals affected with ZFYVE26-related conditions. Algorithms developed to predict the effect of missense changes on protein structure and function (SIFT, PolyPhen-2, Align-GVGD) all suggest that this variant is likely to be tolerated. In summary, the available evidence is currently insufficient to determine the role of this variant in disease. Therefore, it has been classified as a Variant of Uncertain Significance.